The following is an entry in ClinVar:

NM_017617.5(NOTCH1):c.4238G>A (p.Arg1413His)

Gene: NOTCH1 (notch receptor 1; minus strand). Cytogenetic location: 9q34.3.
Variant type: single nucleotide variant.
Coding change: c.4238G>A on transcript NM_017617.5 (MANE Select); coding-DNA position 4238, G replaced by A.
Protein change: p.Arg1413His; replaces arginine 1413 with histidine.
Molecular consequence: missense variant.
Genome position (GRCh38, 1-based): chr9:136,505,658, C>T on the plus strand (G>A on the coding strand, the complement: NOTCH1 is on the minus strand). VCF-style: chr9-136505658-C-T. GRCh37 (hg19) VCF-style: chr9-139400110-C-T.
Other names: c.4238G>A, p.Arg1413His (LRG_1122t1); c.4238G>A (NM_017617.4); short protein forms R1413H.
Identifiers: ClinVar variation 264469 (VCV000264469.49), dbSNP rs371068504, ClinGen allele CA5340660.

ClinVar aggregate classification (germline): Conflicting classifications of pathogenicity. Review status: criteria provided, conflicting classifications (1 of 4 stars). 9 submissions from 8 submitters: Uncertain significance (6); Benign (1); Likely benign (1). 1 of the submissions does not count toward it. Last evaluated 2025-12-21.

Conditions:
NOTCH1-related disorder. Also called: NOTCH1-related disorders; NOTCH1-related condition.
Aortic valve disease 1 (AOVD1). Identifiers: MedGen C3887892, MONDO:0024523, OMIM 109730.
Adams-Oliver syndrome 5 (AOS5). Identifiers: Orphanet 974, MedGen C4014970, MONDO:0014459, OMIM 616028.
Familial thoracic aortic aneurysm and aortic dissection (TAAD). Also called: Thoracic aortic aneurysms and dissections. Identifiers: Orphanet 91387, MedGen C4707243, MONDO:0019625.

Allele frequency attached by ClinVar (database versions not stated): ExAC 0.00005; gnomAD 0.00005; TOPMed 0.00005; gnomAD exomes 0.00007 and 0.00010; ESP Exome Variant Server 0.00008.
gnomAD v4.1: 152 of 1,611,780 alleles (0.0094%); highest among the groups gnomAD compares: Middle Eastern, 0.049%; no homozygotes.

Submissions (9):

Labcorp Genetics (formerly Invitae), Labcorp
Classification: Benign for Adams-Oliver syndrome 5. Last evaluated: 2025-12-21. Review status: criteria provided, single submitter. Criteria: Invitae Variant Classification Sherloc (09022015). Collection method: clinical testing. Allele origin: germline.

GeneDx
Classification: Uncertain significance. Last evaluated: 2025-11-14. Review status: criteria provided, single submitter. Criteria: GeneDx Variant Classification Process June 2021. Collection method: clinical testing. Allele origin: germline. Affected: yes.
Comment: In silico analysis suggests that this missense variant does not alter protein structure/function; Has not been previously published as pathogenic or benign in association with NOTCH1-related disorders to our knowledge; This variant is associated with the following publications: (PMID: 28682882)

Ambry Genetics
Classification: Uncertain significance for Familial thoracic aortic aneurysm and aortic dissection. Last evaluated: 2025-06-28. Review status: criteria provided, single submitter. Criteria: Ambry Variant Classification Scheme 2023. Collection method: clinical testing. Allele origin: germline.
Comment: The p.R1413H variant (also known as c.4238G>A), located in coding exon 25 of the NOTCH1 gene, results from a G to A substitution at nucleotide position 4238. The arginine at codon 1413 is replaced by histidine, an amino acid with highly similar properties. This amino acid position is not well conserved in available vertebrate species. In addition, this alteration is predicted to be tolerated by in silico analysis. Since supporting evidence is limited at this time, the clinical significance of this variant remains unclear.

CeGaT Center for Human Genetics Tuebingen
Classification: Likely benign. Last evaluated: 2023-04-01. Review status: criteria provided, single submitter. Criteria: CeGaT Center For Human Genetics Tuebingen Variant Classification Criteria Version 2. Collection method: clinical testing. Allele origin: germline. Affected: yes. Observed: 1 variant allele.
Comment: NOTCH1: PP2, BP4, BS1

Genome-Nilou Lab
Classification: Uncertain significance for Adams-Oliver syndrome 5. Last evaluated: 2022-03-15. Review status: criteria provided, single submitter. Criteria: ACMG Guidelines, 2015. Collection method: clinical testing. Allele origin: germline. Affected: no.

Genome-Nilou Lab
Classification: Uncertain significance for Aortic valve disease 1. Last evaluated: 2022-03-15. Review status: criteria provided, single submitter. Criteria: ACMG Guidelines, 2015. Collection method: clinical testing. Allele origin: germline. Affected: no.

CHEO Genetics Diagnostic Laboratory, Children's Hospital of Eastern Ontario
Classification: Uncertain significance for Familial thoracic aortic aneurysm and aortic dissection. Last evaluated: 2020-04-09. Review status: criteria provided, single submitter. Criteria: ACMG Guidelines, 2015. Collection method: clinical testing. Allele origin: germline.

Fulgent Genetics
Classification: Uncertain significance for Aortic valve disease 1; Adams-Oliver syndrome 5. Last evaluated: 2018-10-31. Review status: criteria provided, single submitter. Criteria: ACMG Guidelines, 2015. Collection method: clinical testing. Allele origin: unknown.

PreventionGenetics, part of Exact Sciences
Classification: Uncertain significance for NOTCH1-related condition. Last evaluated: 2024-04-15. Review status: no assertion criteria provided. Collection method: clinical testing. Allele origin: germline. Not counted in ClinVar's aggregate classification.
Comment: The NOTCH1 c.4238G>A variant is predicted to result in the amino acid substitution p.Arg1413His. To our knowledge, this variant has not been reported in the literature. This variant is reported in 0.014% of alleles in individuals of Latino descent in gnomAD. At this time, the clinical significance of this variant is uncertain due to the absence of conclusive functional and genetic evidence.